The following is an entry in ClinVar:

NM_198578.4(LRRK2):c.4207A>T (p.Ser1403Cys)

Gene: LRRK2 (leucine rich repeat kinase 2; plus strand). Cytogenetic location: 12q12.
Variant type: single nucleotide variant.
Coding change: c.4207A>T on transcript NM_198578.4 (MANE Select); coding-DNA position 4207, A replaced by T.
Protein change: p.Ser1403Cys; replaces serine 1403 with cysteine.
Molecular consequence: missense variant.
Genome position (GRCh38, 1-based): chr12:40,309,123, A>T. VCF-style: chr12-40309123-A-T. GRCh37 (hg19) VCF-style: chr12-40702925-A-T.
Other names: short protein forms S1403C.
Identifiers: ClinVar variation 1738694 (VCV001738694.2), dbSNP rs941218392, ClinGen allele CA235357315.

ClinVar aggregate classification (germline): Uncertain significance (1 of 4 stars; one submission).

Conditions:
Inborn genetic diseases. Identifiers: MedGen C0950123, MeSH D030342.

Submission:

Ambry Genetics
Classification: Uncertain significance for Inborn genetic diseases. Last evaluated: 2024-03-13. Review status: criteria provided, single submitter. Criteria: Ambry Variant Classification Scheme 2023. Collection method: clinical testing. Allele origin: germline.
Comment: The p.S1403C variant (also known as c.4207A>T), located in coding exon 30 of the LRRK2 gene, results from an A to T substitution at nucleotide position 4207. The serine at codon 1403 is replaced by cysteine, an amino acid with dissimilar properties. This amino acid position is conserved. In addition, the in silico prediction for this alteration is inconclusive. Since supporting evidence is limited at this time, the clinical significance of this alteration remains unclear.